The following is an entry in ClinVar:

ClinVar aggregate classification (germline): Uncertain significance (1 of 4 stars; one submission).

Submission:

GeneDx
Classification: Uncertain significance. Last evaluated: 2026-02-23. Review status: criteria provided, single submitter. Criteria: GeneDx Variant Classification Process June 2021. Collection method: clinical testing. Allele origin: germline.
Comment: Frameshift variant predicted to result in protein truncation or nonsense mediated decay in a gene for which loss of function is a known mechanism of disease; Has not been previously published as pathogenic or benign to our knowledge

NM_001005273.3(CHD3):c.332del (p.Lys111fs)

Gene: CHD3 (chromodomain helicase DNA binding protein 3; plus strand). Cytogenetic location: 17p13.1.
Variant type: Deletion.
Coding change: c.332del on transcript NM_001005273.3 (MANE Select); coding-DNA position 332, one base deleted (A; older notation c.332delA).
Protein change: p.Lys111fs; shifts the reading frame from lysine 111.
Molecular consequence: frameshift variant.
Genome position (GRCh38, 1-based): chr17:7,890,689, A deleted; the last of 7 consecutive A bases (chr17:7,890,683-7,890,689); deleting any one gives the same sequence. VCF-style (leftmost placement, unchanged base first): chr17-7890682-GA-G. GRCh37 (hg19) VCF-style: chr17-7794000-GA-G.
Other names: c.509del, p.Lys170fs (NM_001005271.3, NM_001437504.1, NM_001437507.1 and 2 more transcripts); c.332del, p.Lys111fs (NM_005852.4); short protein forms K111fs, K170fs.
Identifiers: ClinVar variation 5009859 (VCV005009859.1).
Genomic context (GRCh38, chr17:7,890,682, plus strand): 5'-GAGAGTGGGGGCAGTGAATATGGAACCGGACCGGGTCGGAAACGAAGAAGGAAGCACCGA[GA>G]AAAAAAGGAGAAGAAGACAAAGCGGCGGAAAAAGGGGGAGGGAGATGGGGGGCAAAAGGT-3'